The following is an entry in ClinVar:

ClinVar aggregate classification (germline): Likely pathogenic (1 of 4 stars; one submission).

Conditions:
CHARGE syndrome (CHARGE). Also called: Coloboma, heart anomaly, choanal atresia, retardation, genital and ear anomalies; CHARGE association; Hall-Hittner syndrome; Hittner Hirsch Kreh syndrome; CHARGE ASSOCIATION--COLOBOMA, HEART ANOMALY, CHOANAL ATRESIA, RETARDATION, GENITAL AND EAR ANOMALIES. Identifiers: Orphanet 138, MedGen C0265354, MONDO:0008965.

Submission:

Genetic Outpatient Clinic, Children's Memorial Health Institute
Classification: Likely pathogenic for CHD7-related CHARGE syndrome. Last evaluated: 2019-03-22. Review status: criteria provided, single submitter. Criteria: ACMG Guidelines, 2015. Collection method: clinical testing. Allele origin: de novo. Affected: yes. Observed: 1 variant allele.

NM_017780.4(CHD7):c.3295T>C (p.Trp1099Arg)

Gene: CHD7 (chromodomain helicase DNA binding protein 7; plus strand). Cytogenetic location: 8q12.2.
Variant type: single nucleotide variant.
Coding change: c.3295T>C on transcript NM_017780.4 (MANE Select); coding-DNA position 3295, T replaced by C.
Protein change: p.Trp1099Arg; replaces tryptophan 1099 with arginine.
Molecular consequence: missense variant. On other transcripts: intron variant (1).
Genome position (GRCh38, 1-based): chr8:60,823,933, T>C. VCF-style: chr8-60823933-T-C. GRCh37 (hg19) VCF-style: chr8-61736492-T-C.
Other names: c.1717-38296T>C (NM_001316690.1); short protein forms W1099R.
Identifiers: ClinVar variation 638145 (VCV000638145.3), dbSNP rs1586393514, ClinGen allele CA501035.
Genomic context (GRCh38, chr8:60,823,933, plus strand): 5'-GCCATCATCACTACATTTGAGATGATTTTGACTGATTGTCCTGAGCTGCGGAATATTCCA[T>C]GGCGCTGTGTAGTCATTGATGAAGCCCACAGGCTGAAGAACAGGAACTGCAAGCTGTTGG-3'
Protein context (NP_060250.2, residues 1089-1109): TDCPELRNIP[Trp1099Arg]RCVVIDEAHR